The following is an entry in ClinVar:

ClinVar aggregate classification (germline): Uncertain significance. Review status: criteria provided, multiple submitters, no conflicts (2 of 4 stars). 2 submissions from 2 submitters: Uncertain significance (2). Last evaluated 2023-03-24.

Conditions:
Neurofibromatosis, type 1 (NF1). Also called: VON RECKLINGHAUSEN DISEASE; NEUROFIBROMATOSIS, TYPE I, SOMATIC; Peripheral type neurofibromatosis; Neurofibromatosis, type I. Identifiers: Orphanet 636, MedGen C0027831, MONDO:0018975, OMIM 162200. Disease mechanism: loss of function.
Cardiovascular phenotype. Identifiers: MedGen CN230736.
Hereditary cancer-predisposing syndrome. Also called: Neoplastic Syndromes, Hereditary; Tumor predisposition; Hereditary neoplastic syndrome; Hereditary Cancer Syndrome. Identifiers: Orphanet 140162, MedGen C0027672, MeSH D009386, MONDO:0015356.

Allele frequency attached by ClinVar (database versions not stated): gnomAD exomes below 0.00001.
gnomAD v4.1: 3 of 1,613,370 alleles (0.00019%); highest among the groups gnomAD compares: Non-Finnish European, 0.00025%; no homozygotes.

Submissions (2):

Labcorp Genetics (formerly Invitae), Labcorp
Classification: Uncertain significance for Neurofibromatosis, type 1. Last evaluated: 2023-03-24. Review status: criteria provided, single submitter. Criteria: Invitae Variant Classification Sherloc (09022015). Collection method: clinical testing. Allele origin: germline.
Comment: In summary, the available evidence is currently insufficient to determine the role of this variant in disease. Therefore, it has been classified as a Variant of Uncertain Significance. Advanced modeling of protein sequence and biophysical properties (such as structural, functional, and spatial information, amino acid conservation, physicochemical variation, residue mobility, and thermodynamic stability) performed at Invitae indicates that this missense variant is not expected to disrupt NF1 protein function. ClinVar contains an entry for this variant (Variation ID: 527512). This variant has not been reported in the literature in individuals affected with NF1-related conditions. This variant is not present in population databases (gnomAD no frequency). This sequence change replaces alanine, which is neutral and non-polar, with valine, which is neutral and non-polar, at codon 1024 of the NF1 protein (p.Ala1024Val).

Ambry Genetics
Classification: Uncertain significance for Cardiovascular phenotype; Hereditary cancer-predisposing syndrome. Last evaluated: 2022-02-01. Review status: criteria provided, single submitter. Criteria: Ambry Variant Classification Scheme 2023. Collection method: clinical testing. Allele origin: germline.
Comment: The p.A1024V variant (also known as c.3071C>T), located in coding exon 23 of the NF1 gene, results from a C to T substitution at nucleotide position 3071. The alanine at codon 1024 is replaced by valine, an amino acid with similar properties. This amino acid position is conserved. In addition, this alteration is predicted to be tolerated by in silico analysis. Since supporting evidence is limited at this time, the clinical significance of this alteration remains unclear.

NM_001042492.3(NF1):c.3071C>T (p.Ala1024Val)

Gene: NF1 (neurofibromin 1; plus strand). Cytogenetic location: 17q11.2.
Variant type: single nucleotide variant.
Coding change: c.3071C>T on transcript NM_001042492.3 (MANE Select); coding-DNA position 3071, C replaced by T.
Protein change: p.Ala1024Val; replaces alanine 1024 with valine.
Molecular consequence: missense variant.
Genome position (GRCh38, 1-based): chr17:31,230,340, C>T. VCF-style: chr17-31230340-C-T. GRCh37 (hg19) VCF-style: chr17-29557358-C-T.
Other names: c.3071C>T, p.Ala1024Val (NM_000267.4); short protein forms A1024V.
Identifiers: ClinVar variation 527512 (VCV000527512.8), dbSNP rs1555614525, ClinGen allele CA398987469.